The following is an entry in ClinVar:

ClinVar aggregate classification (germline): Conflicting classifications of pathogenicity. Review status: criteria provided, conflicting classifications (1 of 4 stars). 3 submissions from 3 submitters: Uncertain significance (2); Likely benign (1). Last evaluated 2024-06-28.

Conditions:
Inborn genetic diseases. Identifiers: MedGen C0950123, MeSH D030342.

Allele frequency attached by ClinVar (database versions not stated): gnomAD exomes 0.00001 and 0.00002; ExAC 0.00002.
gnomAD v4.1: 16 of 1,614,200 alleles (0.00099%); highest among the groups gnomAD compares: South Asian, 0.0044%; no homozygotes.

Submissions (3):

GeneDx
Classification: Uncertain significance. Last evaluated: 2024-06-28. Review status: criteria provided, single submitter. Criteria: GeneDx Variant Classification Process June 2021. Collection method: clinical testing. Allele origin: germline. Affected: yes.
Comment: In silico analysis indicates that this missense variant does not alter protein structure/function; Has not been previously published as pathogenic or benign to our knowledge.

Ambry Genetics
Classification: Uncertain significance for Inborn genetic diseases. Last evaluated: 2024-02-28. Review status: criteria provided, single submitter. Criteria: Ambry Variant Classification Scheme 2023. Collection method: clinical testing. Allele origin: germline.

Labcorp Genetics (formerly Invitae), Labcorp
Classification: Likely benign. Last evaluated: 2023-02-13. Review status: criteria provided, single submitter. Criteria: Invitae Variant Classification Sherloc (09022015). Collection method: clinical testing. Allele origin: germline.

NM_004958.4(MTOR):c.2056C>T (p.His686Tyr)

Gene: MTOR (mechanistic target of rapamycin kinase; minus strand). Cytogenetic location: 1p36.22.
Variant type: single nucleotide variant.
Coding change: c.2056C>T on transcript NM_004958.4 (MANE Select); coding-DNA position 2056, C replaced by T.
Protein change: p.His686Tyr; replaces histidine 686 with tyrosine.
Molecular consequence: missense variant.
Genome position (GRCh38, 1-based): chr1:11,237,995, G>A on the plus strand (C>T on the coding strand, the complement: MTOR is on the minus strand). VCF-style: chr1-11237995-G-A. GRCh37 (hg19) VCF-style: chr1-11298052-G-A.
Other names: c.2056C>T, p.His686Tyr (NM_001386500.1); c.808C>T, p.His270Tyr (NM_001386501.1); c.2056C>T (NM_004958.3); short protein forms H270Y, H686Y.
Identifiers: ClinVar variation 1089853 (VCV001089853.11), dbSNP rs199502742, ClinGen allele CA590578.
Genomic context (GRCh38, chr1:11,237,995, plus strand): 5'-CAAACACCTGGTCATTCAGAGCCACAAACAAGGCCTGCAAGTTCTCCGCCTGGGCCAGGT[G>A]TGCATCAAAGCGCTCGTCCAGGGACGCCAAGACACAGTAGCGAATGTCAGGGTCTGCAAG-3'
Protein context (NP_004949.1, residues 676-696): LASLDERFDA[His686Tyr]LAQAENLQAL